The following is an entry in ClinVar:

NM_002691.4(POLD1):c.1772A>C (p.Lys591Thr)

Gene: POLD1 (DNA polymerase delta 1, catalytic subunit; plus strand). Cytogenetic location: 19q13.33.
Variant type: single nucleotide variant.
Coding change: c.1772A>C on transcript NM_002691.4 (MANE Select); coding-DNA position 1772, A replaced by C.
Protein change: p.Lys591Thr; replaces lysine 591 with threonine.
Molecular consequence: missense variant. On other transcripts: non-coding transcript variant (1).
Genome position (GRCh38, 1-based): chr19:50,407,412, A>C. VCF-style: chr19-50407412-A-C. GRCh37 (hg19) VCF-style: chr19-50910669-A-C.
Other names: c.1772A>C, p.Lys591Thr (NM_001256849.1, NM_001308632.1); c.1772A>C (NM_002691.2); short protein forms K591T.
Identifiers: ClinVar variation 1035622 (VCV001035622.9), dbSNP rs1601221398, ClinGen allele CA406981405.

ClinVar aggregate classification (germline): Uncertain significance. Review status: criteria provided, multiple submitters, no conflicts (2 of 4 stars). 2 submissions from 2 submitters: Uncertain significance (2). Last evaluated 2024-06-23.

Conditions:
POLD1-related polyposis and colorectal cancer syndrome (CRCS10). Also called: Colorectal cancer 10; COLORECTAL CANCER, SUSCEPTIBILITY TO, ON CHROMOSOME 19q; Colorectal cancer, susceptibility to, 10. Identifiers: Orphanet 220460, MedGen C2675481, MONDO:0012953, OMIM 612591.
Hereditary cancer-predisposing syndrome. Also called: Tumor predisposition; Hereditary Cancer Syndrome; Hereditary neoplastic syndrome; Neoplastic Syndromes, Hereditary. Identifiers: Orphanet 140162, MedGen C0027672, MeSH D009386, MONDO:0015356.

Submissions (2):

Ambry Genetics
Classification: Uncertain significance for Hereditary cancer-predisposing syndrome. Last evaluated: 2024-06-23. Review status: criteria provided, single submitter. Criteria: Ambry Variant Classification Scheme 2023. Collection method: clinical testing. Allele origin: germline.
Comment: The p.K591T variant (also known as c.1772A>C), located in coding exon 13 of the POLD1 gene, results from an A to C substitution at nucleotide position 1772. The lysine at codon 591 is replaced by threonine, an amino acid with similar properties. This amino acid position is conserved. In addition, this alteration is predicted to be tolerated by in silico analysis. Based on the available evidence, the clinical significance of this variant remains unclear.

Labcorp Genetics (formerly Invitae), Labcorp
Classification: Uncertain significance for POLD1-related polyposis and colorectal cancer syndrome. Last evaluated: 2024-04-12. Review status: criteria provided, single submitter. Criteria: Invitae Variant Classification Sherloc (09022015). Collection method: clinical testing. Allele origin: germline.
Comment: This sequence change replaces lysine, which is basic and polar, with threonine, which is neutral and polar, at codon 591 of the POLD1 protein (p.Lys591Thr). This variant is not present in population databases (gnomAD no frequency). This variant has not been reported in the literature in individuals affected with POLD1-related conditions. ClinVar contains an entry for this variant (Variation ID: 1035622). Advanced modeling of protein sequence and biophysical properties (such as structural, functional, and spatial information, amino acid conservation, physicochemical variation, residue mobility, and thermodynamic stability) performed at Invitae indicates that this missense variant is not expected to disrupt POLD1 protein function with a negative predictive value of 80%. In summary, the available evidence is currently insufficient to determine the role of this variant in disease. Therefore, it has been classified as a Variant of Uncertain Significance.